The following is an entry in ClinVar:

ClinVar aggregate classification (germline): Likely pathogenic. Review status: criteria provided, multiple submitters, no conflicts (2 of 4 stars). 2 submissions from 2 submitters: Likely pathogenic (2). Last evaluated 2025-08-09.

Conditions:
Corneal dystrophy-perceptive deafness syndrome (CDPD). Also called: HARBOYAN SYNDROME; CORNEAL DYSTROPHY AND SENSORINEURAL DEAFNESS. Identifiers: Orphanet 1490, MedGen C1857572, MONDO:0009015, OMIM 217400.
Congenital hereditary endothelial dystrophy of cornea. Also called: Congenital hereditary endothelial dystrophy type II; Corneal endothelial dystrophy, autosomal recessive; Congenital hereditary endothelial dystrophy of the cornea; Maumenee corneal dystrophy; CORNEAL DYSTROPHY, CONGENITAL HEREDITARY ENDOTHELIAL. Identifiers: Orphanet 293603, MedGen C1857569, MONDO:0009019, OMIM 217700.

Submissions (2):

Natera, Inc.
Classification: Likely pathogenic for Corneal dystrophy-perceptive deafness syndrome. Last evaluated: 2025-08-09. Review status: criteria provided, single submitter. Criteria: Natera Variant Classification Schema (03/2026). Collection method: clinical testing. Allele origin: germline.
Comment: The c.2017_2019del variant in SLC4A11 is an in-frame deletion predicted to remove phenylalanine at amino acid 673 while preserving the reading frame. This variant is rare in the general population with a frequency below the threshold expected for the associated phenotype(s). This variant has been observed in one or more individuals affected with the associated recessive disease, as either homozygous or compound heterozygous with a second variant (PMID: 17262014). This variant results in a change to the protein length while preserving reading frame, which may disrupt normal protein structure or function. Computational prediction algorithms indicate this variant is likely to affect gene or protein function. Given the available evidence, this variant is classified as Likely Pathogenic.

First Genomix Gene Laboratory, Genetic Diagnostics Department
Classification: Likely pathogenic for Corneal dystrophy-perceptive deafness syndrome; Congenital hereditary endothelial dystrophy of cornea. Last evaluated: 2025-07-09. Review status: criteria provided, single submitter. Criteria: ACMG Guidelines, 2015. Collection method: clinical testing. Allele origin: germline. Inheritance: Autosomal recessive inheritance. Affected: no. Observed: 1 variant allele.

Literature cited by the submitters: PubMed 17262014 (cited by Natera, Inc.).

NM_001174089.2(SLC4A11):c.1966TTC[1] (p.Phe657del)

Gene: SLC4A11 (solute carrier family 4 member 11; minus strand). Cytogenetic location: 20p13.
Variant type: Microsatellite.
Coding change: c.1966TTC[1] on transcript NM_001174089.2 (MANE Select); one copy of the 3-base unit TTC starting at c.1966; the reference has two copies in a row; one copy, 3 bases deleted.
Protein change: p.Phe657del; deletes phenylalanine 657.
Molecular consequence: inframe deletion. On other transcripts: non-coding transcript variant (3).
Genome position (GRCh38, 1-based): chr20:3,229,142-3,229,144, GAA deleted on the plus strand (TTC on the coding strand, the reverse complement: SLC4A11 is on the minus strand); deleting any 3 consecutive bases within chr20:3,229,142-3,229,149 gives the same sequence; the position shown is the placement nearest the transcript's 3' end. VCF-style (leftmost placement, unchanged base first): chr20-3229141-TGAA-T. GRCh37 (hg19) VCF-style: chr20-3209787-TGAA-T.
Other names: c.2095TTC[1], p.Phe700del (NM_001174090.2); c.1852TTC[1], p.Phe619del (NM_001363745.2); c.1909TTC[1], p.Phe638del (NM_001400277.1, NM_001400278.1, NM_001400279.1); c.2017_2019delTTC (NM_032034.4); c.1981TTC[1], p.Phe662del (NM_001400280.1); c.2014TTC[1], p.Phe673del (NM_032034.4); short protein forms F619del, F638del, F657del, F662del, F673del, F700del.
Identifiers: ClinVar variation 4816306 (VCV004816306.2).